The following is an entry in ClinVar:

ClinVar aggregate classification (germline): Uncertain significance. Review status: criteria provided, multiple submitters, no conflicts (2 of 4 stars). 2 submissions from 2 submitters: Uncertain significance (2). Last evaluated 2023-04-10.

Allele frequency attached by ClinVar (database versions not stated): TOPMed below 0.00001; gnomAD 0.00001.

Submissions (2):

Ambry Genetics
Classification: Uncertain significance. Last evaluated: 2023-04-10. Review status: criteria provided, single submitter. Criteria: Ambry Variant Classification Scheme 2023. Collection method: clinical testing. Allele origin: germline.

Greenwood Genetic Center Diagnostic Laboratories, Greenwood Genetic Center
Classification: Uncertain significance. Last evaluated: 2021-02-24. Review status: criteria provided, single submitter. Criteria: ACMG Guidelines, 2015. Collection method: clinical testing. Allele origin: germline. Affected: yes.
Comment: BP4, PM2

NM_006307.5(SRPX):c.9C>A (p.Ser3Arg)

Gene: SRPX (sushi repeat containing protein X-linked; minus strand). Cytogenetic location: Xp11.4.
Variant type: single nucleotide variant.
Coding change: c.9C>A on transcript NM_006307.5 (MANE Select); coding-DNA position 9, C replaced by A.
Protein change: p.Ser3Arg; replaces serine 3 with arginine.
Molecular consequence: missense variant.
Genome position (GRCh38, 1-based): chrX:38,220,784, G>T on the plus strand (C>A on the coding strand, the complement: SRPX is on the minus strand). VCF-style: chrX-38220784-G-T. GRCh37 (hg19) VCF-style: chrX-38080037-G-T.
Other names: c.9C>A, p.Ser3Arg (NM_001170750.2, NM_001170751.2, NM_001170752.2); c.9C>A (NM_006307.4); short protein forms S3R.
Identifiers: ClinVar variation 1331591 (VCV001331591.6), dbSNP rs1485230353, ClinGen allele CA412713113.
Genomic context (GRCh38, chrX:38,220,784, plus strand): 5'-CAGCAGCAGCAGCAGCAGCAGAGGCGGCAGCAGCAGCAGCAGCGCGGGCCGATGTGCGGG[G>T]CTCCCCATGGCGAGCGGGCGCTTAGCTCGCCTCGGCAGCGCAGCGCGCTTCCCGGGGGCG-3'
Protein context (NP_006298.1, residues 1-13): MG[Ser3Arg]PAHRPALLLL